The following is an entry in ClinVar:

NM_000051.4(ATM):c.7308-2A>C

Genes: ATM (ATM serine/threonine kinase; plus strand), C11orf65 (chromosome 11 open reading frame 65; minus strand). Cytogenetic location: 11q22.3.
Variant type: single nucleotide variant.
Coding change: c.7308-2A>C on transcript NM_000051.4 (MANE Select); the canonical splice acceptor site of the intron before coding-DNA position 7308, A replaced by C.
Molecular consequence: splice acceptor variant. On other transcripts: intron variant (2).
Genome position (GRCh38, 1-based): chr11:108,330,212, A>C. VCF-style: chr11-108330212-A-C. GRCh37 (hg19) VCF-style: chr11-108200939-A-C.
Other names: c.7308-2A>C (NM_001351834.2); c.641-21141T>G (NM_001330368.2); c.*38+5008T>G (NM_001351110.2).
Identifiers: ClinVar variation 453673 (VCV000453673.18), dbSNP rs1555122938, ClinGen allele CA382559855.

ClinVar aggregate classification (germline): Pathogenic/Likely pathogenic. Review status: criteria provided, multiple submitters, no conflicts (2 of 4 stars). 4 submissions from 4 submitters: Pathogenic (1); Likely pathogenic (3). Last evaluated 2026-03-01.

Conditions:
Hereditary cancer-predisposing syndrome. Also called: Neoplastic Syndromes, Hereditary; Hereditary Cancer Syndrome; Tumor predisposition; Hereditary neoplastic syndrome. Identifiers: Orphanet 140162, MedGen C0027672, MeSH D009386, MONDO:0015356.
Familial cancer of breast. Also called: Hereditary breast cancer; BREAST CANCER, FAMILIAL; hereditary breast carcinoma. Identifiers: Orphanet 227535, MedGen C0346153, MONDO:0016419, OMIM 114480. Disease mechanism: loss of function.
Ataxia-telangiectasia syndrome (AT). Also called: LOUIS-BAR SYNDROME; Cerebello-oculocutaneous telangiectasia; Immunodeficiency with ataxia telangiectasia; Ataxia-telangiectasia, complementation group D; AT, COMPLEMENTATION GROUP C; Ataxia-telangiectasia, complementation group E. Identifiers: Orphanet 100, MedGen C0004135, MONDO:0008840, OMIM 208900.

Submissions (4):

CeGaT Center for Human Genetics Tuebingen
Classification: Pathogenic. Last evaluated: 2026-03-01. Review status: criteria provided, single submitter. Criteria: CeGaT Center For Human Genetics Tuebingen Variant Classification Criteria Version 2. Collection method: clinical testing. Allele origin: germline. Affected: yes. Observed: 2 variant alleles.
Comment: ATM: PVS1, PM2

Ambry Genetics
Classification: Likely pathogenic for Hereditary cancer-predisposing syndrome. Last evaluated: 2023-12-06. Review status: criteria provided, single submitter. Criteria: Ambry Variant Classification Scheme 2023. Collection method: clinical testing. Allele origin: germline.
Comment: The c.7308-2A>C intronic variant results from an A to C substitution two nucleotides upstream from coding exon 49 in the ATM gene. This variant is considered to be rare based on population cohorts in the Genome Aggregation Database (gnomAD). This nucleotide position is highly conserved in available vertebrate species. In silico splice site analysis predicts that this alteration will weaken the native splice acceptor site and will result in the creation or strengthening of a novel splice acceptor site. Alterations that disrupt the canonical splice site are expected to cause aberrant splicing, resulting in an abnormal protein or a transcript that is subject to nonsense-mediated mRNA decay. RNA studies have demonstrated that this alteration results in abnormal splicing in the set of samples tested (Ambry internal data). As such, this alteration is classified as likely pathogenic.

Myriad Genetics, Inc.
Classification: Likely pathogenic for Familial cancer of breast. Last evaluated: 2023-01-13. Review status: criteria provided, single submitter. Criteria: Myriad Autosomal Dominant, Autosomal Recessive and X-Linked Classification Criteria (2023). Collection method: clinical testing. Allele origin: unknown.
Comment: This variant is considered likely pathogenic. This variant occurs within a consensus splice junction and is predicted to result in abnormal mRNA splicing of either an out-of-frame exon or an in-frame exon necessary for protein stability and/or normal function.

Labcorp Genetics (formerly Invitae), Labcorp
Classification: Likely pathogenic for Ataxia-telangiectasia syndrome. Last evaluated: 2022-08-07. Review status: criteria provided, single submitter. Criteria: Invitae Variant Classification Sherloc (09022015). Collection method: clinical testing. Allele origin: germline.
Comment: Algorithms developed to predict the effect of sequence changes on RNA splicing suggest that this variant may disrupt the consensus splice site. This sequence change affects an acceptor splice site in intron 49 of the ATM gene. It is expected to disrupt RNA splicing. Variants that disrupt the donor or acceptor splice site typically lead to a loss of protein function (PMID: 16199547), and loss-of-function variants in ATM are known to be pathogenic (PMID: 23807571, 25614872). This variant is not present in population databases (gnomAD no frequency). This variant has not been reported in the literature in individuals affected with ATM-related conditions. ClinVar contains an entry for this variant (Variation ID: 453673). In summary, the currently available evidence indicates that the variant is pathogenic, but additional data are needed to prove that conclusively. Therefore, this variant has been classified as Likely Pathogenic.

Literature cited by the submitters: PubMed 16199547 (cited by Labcorp Genetics (formerly Invitae), Labcorp); PubMed 23807571 (cited by Labcorp Genetics (formerly Invitae), Labcorp); PubMed 25614872 (cited by Labcorp Genetics (formerly Invitae), Labcorp).